The following is an entry in ClinVar:

NM_018913.3(PCDHGA10):c.1932A>G (p.Gln644=)

Genes: PCDHGA4 (protocadherin gamma subfamily A, 4; plus strand), PCDHGA5 (protocadherin gamma subfamily A, 5; plus strand), PCDHG@ (protocadherin gamma cluster; plus strand), PCDHGA1 (protocadherin gamma subfamily A, 1; plus strand), PCDHGA10 (protocadherin gamma subfamily A, 10; plus strand) and 12 more. Cytogenetic location: 5q31.3.
Variant type: single nucleotide variant.
Coding change: c.1932A>G on transcript NM_018913.3 (MANE Select); coding-DNA position 1932, A replaced by G.
Protein change: p.Gln644=; no amino-acid change (glutamine 644 retained).
Molecular consequence: synonymous variant. On other transcripts: intron variant (15).
Genome position (GRCh38, 1-based): chr5:141,415,107, A>G. VCF-style: chr5-141415107-A-G. GRCh37 (hg19) VCF-style: chr5-140794674-A-G.
Other names: c.1932A>G, p.Gln644= (NM_032090.2); c.2422-79700A>G (NM_018912.3); c.2424+73712A>G (NM_018915.4); c.2424+68650A>G (NM_018916.4); c.2409+62438A>G (NM_018922.3); c.2514+57486A>G (NM_018917.4); c.2421+52551A>G (NM_018923.3); c.2421+48356A>G (NM_018918.3); and 8 more.
Identifiers: ClinVar variation 776069 (VCV000776069.28), dbSNP rs372656276, ClinGen allele CA3475204.

ClinVar aggregate classification (germline): Likely benign. Review status: criteria provided, multiple submitters, no conflicts (2 of 4 stars). 3 submissions from 3 submitters: Likely benign (3). Last evaluated 2022-05-01.

Allele frequency attached by ClinVar (database versions not stated): ESP Exome Variant Server 0.00138; TOPMed 0.00280; 1000 Genomes Project 30x 0.00547.
gnomAD v4.1: 1,052 of 1,613,570 alleles (0.065%); highest among the groups gnomAD compares: African/African-American, 0.84%; 7 homozygotes.

Submissions (3):

CeGaT Center for Human Genetics Tuebingen
Classification: Likely benign. Last evaluated: 2022-05-01. Review status: criteria provided, single submitter. Criteria: CeGaT Center For Human Genetics Tuebingen Variant Classification Criteria Version 2. Collection method: clinical testing. Allele origin: germline. Affected: yes. Observed: 1 variant allele.
Comment: PCDHGA10: BP4, BP7

Labcorp Genetics (formerly Invitae), Labcorp
Classification: Likely benign. Last evaluated: 2018-05-08. Review status: criteria provided, single submitter. Criteria: Invitae Variant Classification Sherloc (09022015). Collection method: clinical testing. Allele origin: germline.

Breakthrough Genomics
Classification: Likely benign. Review status: criteria provided, single submitter. Criteria: ACMG Guidelines, 2015. Collection method: not provided. Allele origin: germline. Inheritance: Unknown mechanism. Affected: yes.